The following is an entry in ClinVar:

ClinVar aggregate classification (germline): Uncertain significance. Review status: criteria provided, multiple submitters, no conflicts (2 of 4 stars). 4 submissions from 4 submitters: Uncertain significance (4). Last evaluated 2024-09-12.

Allele frequency attached by ClinVar (database versions not stated): ExAC 0.00004; gnomAD 0.00004 and 0.00005; gnomAD exomes 0.00007; TOPMed 0.00007; 1000 Genomes Project 30x 0.00016; 1000 Genomes Project 0.00020.
gnomAD v4.1: 126 of 1,605,008 alleles (0.0079%); highest among the groups gnomAD compares: Middle Eastern, 0.033%; no homozygotes.

Submissions (4):

Blueprint Genetics
Classification: Uncertain significance. Last evaluated: 2024-09-12. Review status: criteria provided, single submitter. Criteria: ACMG Guidelines, 2015. Collection method: clinical testing. Allele origin: germline.

Labcorp Genetics (formerly Invitae), Labcorp
Classification: Uncertain significance. Last evaluated: 2023-10-13. Review status: criteria provided, single submitter. Criteria: Invitae Variant Classification Sherloc (09022015). Collection method: clinical testing. Allele origin: germline.
Comment: This sequence change replaces aspartic acid, which is acidic and polar, with glycine, which is neutral and non-polar, at codon 59 of the PDE6H protein (p.Asp59Gly). This variant is present in population databases (rs201547440, gnomAD 0.01%). This variant has not been reported in the literature in individuals affected with PDE6H-related conditions. ClinVar contains an entry for this variant (Variation ID: 1063229). An algorithm developed to predict the effect of missense changes on protein structure and function (PolyPhen-2) suggests that this variant is likely to be disruptive. In summary, the available evidence is currently insufficient to determine the role of this variant in disease. Therefore, it has been classified as a Variant of Uncertain Significance.

Ambry Genetics
Classification: Uncertain significance. Last evaluated: 2022-05-26. Review status: criteria provided, single submitter. Criteria: Ambry Variant Classification Scheme 2023. Collection method: clinical testing. Allele origin: germline.

Breakthrough Genomics
Classification: Uncertain significance. Review status: criteria provided, single submitter. Criteria: ACMG Guidelines, 2015. Collection method: not provided. Allele origin: germline. Inheritance: Autosomal recessive inheritance. Affected: yes.

NM_006205.3(PDE6H):c.176A>G (p.Asp59Gly)

Gene: PDE6H (phosphodiesterase 6H; plus strand). Cytogenetic location: 12p12.3.
Variant type: single nucleotide variant.
Coding change: c.176A>G on transcript NM_006205.3 (MANE Select); coding-DNA position 176, A replaced by G.
Protein change: p.Asp59Gly; replaces aspartic acid 59 with glycine.
Molecular consequence: missense variant.
Genome position (GRCh38, 1-based): chr12:14,981,400, A>G. VCF-style: chr12-14981400-A-G. GRCh37 (hg19) VCF-style: chr12-15134334-A-G.
Other names: c.176A>G (NM_006205.2); short protein forms D59G.
Identifiers: ClinVar variation 1063229 (VCV001063229.8), dbSNP rs201547440, ClinGen allele CA6465903.
Genomic context (GRCh38, chr12:14,981,400, plus strand): 5'-CTGTGAAGAAGCTCTCTTGGGGTGAGGTTGGCTTACGTGCTCTTCTTCCATCTCTTGCAG[A>G]TATCACAGTGATTTGTCCATGGGAGGCATTCAGCCACCTGGAATTGCATGAGCTCGCTCA-3'
Protein context (NP_006196.1, residues 49-69): DIPGMEGLGT[Asp59Gly]ITVICPWEAF